The following is an entry in ClinVar:

ClinVar aggregate classification (germline): Uncertain significance (1 of 4 stars; one submission).

Conditions:
RASopathy. Also called: rasopathies; Noonan spectrum disorder. Identifiers: Orphanet 536391, MedGen C5555857, MONDO:0021060.

Submission:

Labcorp Genetics (formerly Invitae), Labcorp
Classification: Uncertain significance for RASopathy. Last evaluated: 2022-04-28. Review status: criteria provided, single submitter. Criteria: Invitae Variant Classification Sherloc (09022015). Collection method: clinical testing. Allele origin: germline.
Comment: In summary, the available evidence is currently insufficient to determine the role of this variant in disease. Therefore, it has been classified as a Variant of Uncertain Significance. Advanced modeling of protein sequence and biophysical properties (such as structural, functional, and spatial information, amino acid conservation, physicochemical variation, residue mobility, and thermodynamic stability) performed at Invitae indicates that this missense variant is not expected to disrupt NRAS protein function. This variant has not been reported in the literature in individuals affected with NRAS-related conditions. This variant is not present in population databases (gnomAD no frequency). This sequence change replaces methionine, which is neutral and non-polar, with leucine, which is neutral and non-polar, at codon 182 of the NRAS protein (p.Met182Leu).

NM_002524.5(NRAS):c.544A>T (p.Met182Leu)

Gene: NRAS (NRAS proto-oncogene, GTPase; minus strand). Cytogenetic location: 1p13.2.
Variant type: single nucleotide variant.
Coding change: c.544A>T on transcript NM_002524.5 (MANE Select); coding-DNA position 544, A replaced by T.
Protein change: p.Met182Leu; replaces methionine 182 with leucine.
Molecular consequence: missense variant.
Genome position (GRCh38, 1-based): chr1:114,708,561, T>A on the plus strand (A>T on the coding strand, the complement: NRAS is on the minus strand). VCF-style: chr1-114708561-T-A. GRCh37 (hg19) VCF-style: chr1-115251182-T-A.
Other names: short protein forms M182L.
Identifiers: ClinVar variation 2131100 (VCV002131100.4), dbSNP rs2526438638, ClinGen allele CA341738425.